The following is an entry in ClinVar:

NC_000023.11:g.38276679C>T

Gene: RPGR (retinitis pigmentosa GTPase regulator; minus strand). Cytogenetic location: Xp11.4.
Variant type: single nucleotide variant.
Molecular consequence: missense variant (on NM_000328.3). On other transcripts: non-coding transcript variant (6).
Genome position: GRCh38 VCF-style: chrX-38276679-C-T. GRCh37 (hg19) VCF-style: chrX-38135932-C-T.
Other names: c.1999G>A, p.Gly667Arg (NM_000328.3); c.1996G>A, p.Gly666Arg (NM_001367245.1); c.1813G>A, p.Gly605Arg (NM_001367246.1); c.1666G>A, p.Gly556Arg (NM_001367247.1); c.1696G>A, p.Gly566Arg (NM_001367248.1); c.1663G>A, p.Gly555Arg (NM_001367249.1, NM_001367250.1); c.1480G>A, p.Gly494Arg (NM_001367251.1); short protein forms G667R, G494R, G555R, G566R, G666R, G605R, G556R.
Identifiers: ClinVar variation 2002709 (VCV002002709.4), dbSNP rs2066943017, ClinGen allele CA412721132.

ClinVar aggregate classification (germline): Uncertain significance (1 of 4 stars; one submission).

Conditions:
Primary ciliary dyskinesia. Also called: Ciliary dyskinesia. Identifiers: Orphanet 244, MedGen C0008780, MONDO:0016575, HP:0012265.

Allele frequency attached by ClinVar (database versions not stated): TOPMed 0.00001.

Submission:

Labcorp Genetics (formerly Invitae), Labcorp
Classification: Uncertain significance for Primary ciliary dyskinesia. Last evaluated: 2022-12-06. Review status: criteria provided, single submitter. Criteria: Invitae Variant Classification Sherloc (09022015). Collection method: clinical testing. Allele origin: germline.
Comment: This variant has not been reported in the literature in individuals affected with RPGR-related conditions. This variant is not present in population databases (gnomAD no frequency). This sequence change replaces glycine, which is neutral and non-polar, with arginine, which is basic and polar, at codon 667 of the RPGR protein (p.Gly667Arg). In summary, the available evidence is currently insufficient to determine the role of this variant in disease. Therefore, it has been classified as a Variant of Uncertain Significance. Advanced modeling of protein sequence and biophysical properties (such as structural, functional, and spatial information, amino acid conservation, physicochemical variation, residue mobility, and thermodynamic stability) performed at Invitae indicates that this missense variant is not expected to disrupt RPGR protein function.